The following is an entry in ClinVar:

ClinVar aggregate classification (germline): Uncertain significance (1 of 4 stars; one submission).

Conditions:
Gnathodiaphyseal dysplasia (GDD). Also called: GNATHODIAPHYSEAL SCLEROSIS; OSTEOGENESIS IMPERFECTA WITH UNUSUAL SKELETAL LESIONS. Identifiers: Orphanet 53697, MedGen C1833736, MONDO:0008151, OMIM 166260.
Autosomal recessive limb-girdle muscular dystrophy type 2L (LGMDR12). Also called: Limb-girdle muscular dystrophy, type 2L; Limb-Girdle Muscular Dystrophy R12 Anoctamin-5-Related (LGMD-R12); MUSCULAR DYSTROPHY, LIMB-GIRDLE, AUTOSOMAL RECESSIVE 12. Identifiers: Orphanet 206549, MedGen C1969785, MONDO:0012652, OMIM 611307.

Submission:

Labcorp Genetics (formerly Invitae), Labcorp
Classification: Uncertain significance for Autosomal recessive limb-girdle muscular dystrophy type 2L; Gnathodiaphyseal dysplasia. Last evaluated: 2022-10-17. Review status: criteria provided, single submitter. Criteria: Invitae Variant Classification Sherloc (09022015). Collection method: clinical testing. Allele origin: germline.
Comment: ClinVar contains an entry for this variant (Variation ID: 1411349). In summary, the available evidence is currently insufficient to determine the role of this variant in disease. Therefore, it has been classified as a Variant of Uncertain Significance. Algorithms developed to predict the effect of missense changes on protein structure and function output the following: SIFT: "Tolerated"; PolyPhen-2: "Benign"; Align-GVGD: "Class C0". The isoleucine amino acid residue is found in multiple mammalian species, which suggests that this missense change does not adversely affect protein function. This variant has not been reported in the literature in individuals affected with ANO5-related conditions. This variant is not present in population databases (gnomAD no frequency). This sequence change replaces methionine, which is neutral and non-polar, with isoleucine, which is neutral and non-polar, at codon 470 of the ANO5 protein (p.Met470Ile).

NM_213599.3(ANO5):c.1410G>A (p.Met470Ile)

Gene: ANO5 (anoctamin 5; plus strand). Cytogenetic location: 11p14.3.
Variant type: single nucleotide variant.
Coding change: c.1410G>A on transcript NM_213599.3 (MANE Select); coding-DNA position 1410, G replaced by A.
Protein change: p.Met470Ile; replaces methionine 470 with isoleucine.
Molecular consequence: missense variant.
Genome position (GRCh38, 1-based): chr11:22,259,521, G>A. VCF-style: chr11-22259521-G-A. GRCh37 (hg19) VCF-style: chr11-22281067-G-A.
Other names: c.1407G>A, p.Met469Ile (NM_001142649.2); short protein forms M469I, M470I.
Identifiers: ClinVar variation 1411349 (VCV001411349.6), dbSNP rs2133737951, ClinGen allele CA379921975.